The following is an entry in ClinVar:

ClinVar aggregate classification (germline): Benign. Review status: criteria provided, multiple submitters, no conflicts (2 of 4 stars). 3 submissions from 3 submitters: Benign (3). Last evaluated 2023-06-14.

Allele frequency attached by ClinVar (database versions not stated): gnomAD 0.00801 and 0.00836; 1000 Genomes Project 0.00819; TOPMed 0.00855; ESP Exome Variant Server 0.00863; 1000 Genomes Project 30x 0.00906; gnomAD exomes 0.00240; ExAC 0.00296.

Submissions (3):

Mayo Clinic Laboratories, Mayo Clinic
Classification: Benign. Last evaluated: 2023-06-14. Review status: criteria provided, single submitter. Criteria: ACMG Guidelines, 2015. Collection method: clinical testing. Allele origin: germline. Observed: 2 variant alleles.
Comment: BA1, BP4, BP7

Labcorp Genetics (formerly Invitae), Labcorp
Classification: Benign. Last evaluated: 2017-12-18. Review status: criteria provided, single submitter. Criteria: Invitae Variant Classification Sherloc (09022015). Collection method: clinical testing. Allele origin: germline.

Breakthrough Genomics
Classification: Benign. Review status: criteria provided, single submitter. Criteria: ACMG Guidelines, 2015. Collection method: not provided. Allele origin: germline. Inheritance: Autosomal recessive inheritance. Affected: yes.

NM_022834.5(VWA1):c.540C>T (p.Ala180=)

Gene: VWA1 (von Willebrand factor A domain containing 1; plus strand). Cytogenetic location: 1p36.33.
Variant type: single nucleotide variant.
Coding change: c.540C>T on transcript NM_022834.5 (MANE Select); coding-DNA position 540, C replaced by T.
Protein change: p.Ala180=; no amino-acid change (alanine 180 retained).
Molecular consequence: synonymous variant. On other transcripts: missense variant (1).
Genome position (GRCh38, 1-based): chr1:1,437,393, C>T. VCF-style: chr1-1437393-C-T. GRCh37 (hg19) VCF-style: chr1-1372773-C-T.
Other names: p.Ala180=; c.145C>T, p.Arg49Cys (NM_199121.3); short protein forms R49C.
Identifiers: ClinVar variation 781924 (VCV000781924.5), dbSNP rs11556017, ClinGen allele CA523159.